The following is an entry in ClinVar:

ClinVar aggregate classification (germline): Likely benign (1 of 4 stars; one submission).

Conditions:
Familial thoracic aortic aneurysm and aortic dissection (TAAD). Also called: Thoracic aortic aneurysms and dissections. Identifiers: Orphanet 91387, MedGen C4707243, MONDO:0019625.

Submission:

All of Us Research Program, National Institutes of Health
Classification: Likely benign for Familial thoracic aortic aneurysm and aortic dissection. Last evaluated: 2023-12-13. Review status: criteria provided, single submitter. Criteria: ACMG Guidelines, 2015. Collection method: clinical testing. Allele origin: germline. Inheritance: Autosomal dominant inheritance. Observed: 1 variant allele, 1 heterozygote.
Comment: This study involves interpretation of variants in research participants for the purpose of population health screening. Participant phenotype was not available at the time of variant classification. Additional details can be found in publication PMID: 35346344, PMCID: PMC8962531

NM_002474.3(MYH11):c.4221G>A (p.Gln1407=)

Genes: MYH11 (myosin heavy chain 11; minus strand), NDE1 (nudE neurodevelopment protein 1; plus strand). Cytogenetic location: 16p13.11.
Variant type: single nucleotide variant.
Coding change: c.4221G>A on transcript NM_002474.3 (MANE Select); coding-DNA position 4221, G replaced by A.
Protein change: p.Gln1407=; no amino-acid change (glutamine 1407 retained).
Molecular consequence: synonymous variant. On other transcripts: 3 prime UTR variant (2).
Genome position (GRCh38, 1-based): chr16:15,724,305, C>T on the plus strand (G>A on the coding strand, the complement: MYH11 is on the minus strand). VCF-style: chr16-15724305-C-T. GRCh37 (hg19) VCF-style: chr16-15818162-C-T.
Other names: c.4242G>A, p.Gln1414= (NM_001040114.2, NM_001040113.2); c.4221G>A, p.Gln1407= (NM_022844.3); c.*54C>T (NM_001143979.2, NM_017668.3).
Identifiers: ClinVar variation 3074915 (VCV003074915.1), dbSNP rs1299440569, ClinGen allele CA494088035.
Genomic context (GRCh38, chr16:15,724,305, plus strand): 5'-CTGCTGAAGCCTGTTCTTGGTCTTTTCCAGTTTATCATAAGCGGCCGCCTTCTCCTCGTA[C>T]TGCTGGGTGAGGTTCTCGATCTCCTTCTGGAACCTCTTCTTCCCCTCTTCCAGAGCTTCC-3'
Protein context (NP_002465.1, residues 1397-1417): FQKEIENLTQ[Gln1407=]YEEKAAAYDK